The following is an entry in ClinVar:

ClinVar aggregate classification (germline): Uncertain significance. Review status: criteria provided, multiple submitters, no conflicts (2 of 4 stars). 2 submissions from 2 submitters: Uncertain significance (2). Last evaluated 2024-12-19.

Conditions:
KMT2A-related disorder. Also called: KMT2A-related condition.

Allele frequency attached by ClinVar (database versions not stated): gnomAD exomes below 0.00001.
gnomAD v4.1: 1 of 1,613,530 alleles (0.000062%); highest among the groups gnomAD compares: Non-Finnish European, 0.000085%; no homozygotes.

Submissions (2):

Labcorp Genetics (formerly Invitae), Labcorp
Classification: Uncertain significance. Last evaluated: 2024-12-19. Review status: criteria provided, single submitter. Criteria: Invitae Variant Classification Sherloc (09022015). Collection method: clinical testing. Allele origin: germline.
Comment: This sequence change replaces glutamine, which is neutral and polar, with glutamic acid, which is acidic and polar, at codon 517 of the KMT2A protein (p.Gln517Glu). This variant is not present in population databases (gnomAD no frequency). This variant has not been reported in the literature in individuals affected with KMT2A-related conditions. ClinVar contains an entry for this variant (Variation ID: 2801799). Invitae Evidence Modeling of protein sequence and biophysical properties (such as structural, functional, and spatial information, amino acid conservation, physicochemical variation, residue mobility, and thermodynamic stability) indicates that this missense variant is not expected to disrupt KMT2A protein function with a negative predictive value of 95%. In summary, the available evidence is currently insufficient to determine the role of this variant in disease. Therefore, it has been classified as a Variant of Uncertain Significance.

PreventionGenetics, part of Exact Sciences
Classification: Uncertain significance for KMT2A-related condition. Last evaluated: 2024-10-28. Review status: criteria provided, single submitter. Criteria: ACMG Guidelines, 2015. Collection method: clinical testing. Allele origin: germline.
Comment: The KMT2A c.1549C>G variant is predicted to result in the amino acid substitution p.Gln517Glu. To our knowledge, this variant has not been reported in the literature or in a large population database (gnomAD), indicating this variant is rare. At this time, the clinical significance of this variant is uncertain due to the absence of conclusive functional and genetic evidence.

NM_001197104.2(KMT2A):c.1549C>G (p.Gln517Glu)

Gene: KMT2A (lysine methyltransferase 2A; plus strand). Cytogenetic location: 11q23.3.
Variant type: single nucleotide variant.
Coding change: c.1549C>G on transcript NM_001197104.2 (MANE Select); coding-DNA position 1549, C replaced by G.
Protein change: p.Gln517Glu; replaces glutamine 517 with glutamic acid.
Molecular consequence: missense variant.
Genome position (GRCh38, 1-based): chr11:118,472,708, C>G. VCF-style: chr11-118472708-C-G. GRCh37 (hg19) VCF-style: chr11-118343423-C-G.
Other names: c.1648C>G, p.Gln550Glu (NM_001412597.1); c.1549C>G, p.Gln517Glu (NM_005933.4); short protein forms Q550E, Q517E.
Identifiers: ClinVar variation 2801799 (VCV002801799.4), dbSNP rs2496800755, ClinGen allele CA382810343.